The following is an entry in ClinVar:

NM_000179.3(MSH6):c.1796G>A (p.Gly599Glu)

Gene: MSH6 (mutS homolog 6; plus strand). Cytogenetic location: 2p16.3.
Variant type: single nucleotide variant.
Coding change: c.1796G>A on transcript NM_000179.3 (MANE Select); coding-DNA position 1796, G replaced by A.
Protein change: p.Gly599Glu; replaces glycine 599 with glutamic acid.
Molecular consequence: missense variant. On other transcripts: non-coding transcript variant (4), intron variant (2).
Genome position (GRCh38, 1-based): chr2:47,799,779, G>A. VCF-style: chr2-47799779-G-A. GRCh37 (hg19) VCF-style: chr2-48026918-G-A.
Other names: c.1406G>A, p.Gly469Glu (NM_001281492.2); c.890G>A, p.Gly297Glu (NM_001281493.2, NM_001281494.2, NM_001406811.1 and 6 more transcripts); c.1892G>A, p.Gly631Glu (NM_001406795.1, NM_001406802.1); c.1796G>A, p.Gly599Glu (NM_001406796.1, NM_001406798.1, NM_001406800.1 and 3 more transcripts); c.1499G>A, p.Gly500Glu (NM_001406797.1, NM_001406801.1, NM_001406805.1 and 10 more transcripts); c.1271G>A, p.Gly424Glu (NM_001406799.1, NM_001406806.1, NM_001406807.1); c.1718G>A, p.Gly573Glu (NM_001406804.1); c.1802G>A, p.Gly601Glu (NM_001406813.1); and 3 more; short protein forms G469E, G297E, G573E, G599E, G601E, G631E, G424E, G500E.
Identifiers: ClinVar variation 2693765 (VCV002693765.4), dbSNP rs1558663014, ClinGen allele CA346749319.

ClinVar aggregate classification (germline): Uncertain significance. Review status: criteria provided, multiple submitters, no conflicts (2 of 4 stars). 2 submissions from 2 submitters: Uncertain significance (2). Last evaluated 2024-05-14.

Conditions:
Hereditary nonpolyposis colorectal neoplasms. Identifiers: MedGen C0009405, MeSH D003123.
Hereditary cancer-predisposing syndrome. Also called: Neoplastic Syndromes, Hereditary; Hereditary Cancer Syndrome; Tumor predisposition; Hereditary neoplastic syndrome. Identifiers: Orphanet 140162, MedGen C0027672, MeSH D009386, MONDO:0015356.

Submissions (2):

Labcorp Genetics (formerly Invitae), Labcorp
Classification: Uncertain significance for Hereditary nonpolyposis colorectal neoplasms. Last evaluated: 2024-05-14. Review status: criteria provided, single submitter. Criteria: Invitae Variant Classification Sherloc (09022015). Collection method: clinical testing. Allele origin: germline.
Comment: This sequence change replaces glycine, which is neutral and non-polar, with glutamic acid, which is acidic and polar, at codon 599 of the MSH6 protein (p.Gly599Glu). This variant is not present in population databases (gnomAD no frequency). This variant has not been reported in the literature in individuals affected with MSH6-related conditions. Advanced modeling of protein sequence and biophysical properties (such as structural, functional, and spatial information, amino acid conservation, physicochemical variation, residue mobility, and thermodynamic stability) performed at Invitae indicates that this missense variant is not expected to disrupt MSH6 protein function with a negative predictive value of 95%. In summary, the available evidence is currently insufficient to determine the role of this variant in disease. Therefore, it has been classified as a Variant of Uncertain Significance.

Ambry Genetics
Classification: Uncertain significance for Hereditary cancer-predisposing syndrome. Last evaluated: 2023-11-23. Review status: criteria provided, single submitter. Criteria: Ambry Variant Classification Scheme 2023. Collection method: clinical testing. Allele origin: germline.
Comment: The p.G599E variant (also known as c.1796G>A), located in coding exon 4 of the MSH6 gene, results from a G to A substitution at nucleotide position 1796. The glycine at codon 599 is replaced by glutamic acid, an amino acid with similar properties. This amino acid position is conserved. In addition, this alteration is predicted to be deleterious by in silico analysis. Since supporting evidence is limited at this time, the clinical significance of this alteration remains unclear.